The following is an entry in ClinVar:

ClinVar aggregate classification (germline): Conflicting classifications of pathogenicity. Review status: criteria provided, conflicting classifications (1 of 4 stars). 5 submissions from 5 submitters: Uncertain significance (3); Likely benign (1). 1 of the submissions does not count toward it. Last evaluated 2025-09-10.

Conditions:
Familial cancer of breast. Also called: BREAST CANCER, FAMILIAL; hereditary breast carcinoma; Hereditary breast cancer. Identifiers: Orphanet 227535, MedGen C0346153, MONDO:0016419, OMIM 114480. Disease mechanism: loss of function.
Fanconi anemia complementation group D1. Also called: BRCA2-Related Fanconi Anemia. Identifiers: Orphanet 319462, MedGen C1838457, MONDO:0011584, OMIM 605724.
Medulloblastoma (MDB). Also called: Medulloblastoma, somatic; MEDULLOBLASTOMA PREDISPOSITION SYNDROME. Identifiers: Orphanet 616, MedGen C0025149, MeSH D008527, MONDO:0007959, OMIM 155255, HP:0002885.
Breast-ovarian cancer, familial, susceptibility to, 2 (BROVCA2). Also called: BRCA2 Hereditary Breast and Ovarian Cancer. Identifiers: Orphanet 145, MedGen C2675520, MONDO:0012933, OMIM 612555. Disease mechanism: loss of function.
Wilms tumor 1 (WT1). Also called: Wilms tumor, somatic. Identifiers: Orphanet 654, MedGen CN033288, MONDO:0008679, OMIM 194070.
Glioma susceptibility 3 (GLM3). Also called: Glioblastoma 3. Identifiers: Orphanet 182067, Orphanet 360, MedGen C2751641, MONDO:0013093, OMIM 613029.
Pancreatic cancer, susceptibility to, 2. Identifiers: Orphanet 1333, MedGen C3150546, MONDO:0013235, OMIM 613347.
Familial prostate cancer. Also called: Hereditary Prostate Cancer. Identifiers: MedGen C2931456, MONDO:0700275, OMIM 176807.
Hereditary cancer-predisposing syndrome. Also called: Neoplastic Syndromes, Hereditary; Hereditary neoplastic syndrome; Hereditary Cancer Syndrome; Tumor predisposition. Identifiers: Orphanet 140162, MedGen C0027672, MeSH D009386, MONDO:0015356.
Hereditary breast ovarian cancer syndrome. Also called: Breast and ovarian cancer; Hereditary breast and/or ovarian cancer syndrome; Hereditary breast and ovarian cancer syndrome; Hereditary breast and ovarian cancer syndrome (HBOC); Hereditary breast and ovarian cancer; BRCA1- and BRCA2-Associated Hereditary Breast and Ovarian Cancer. Identifiers: Orphanet 145, MedGen C0677776, MeSH D061325, MONDO:0003582. Disease mechanism: loss of function.

Allele frequency attached by ClinVar (database versions not stated): gnomAD exomes below 0.00001.
gnomAD v4.1: 4 of 1,614,112 alleles (0.00025%); highest among the groups gnomAD compares: Admixed American, 0.0017%; no homozygotes.

Submissions (5):

Labcorp Genetics (formerly Invitae), Labcorp
Classification: Uncertain significance for Hereditary breast ovarian cancer syndrome. Last evaluated: 2025-09-10. Review status: criteria provided, single submitter. Criteria: Invitae Variant Classification Sherloc (09022015). Collection method: clinical testing. Allele origin: germline.
Comment: This sequence change replaces valine, which is neutral and non-polar, with isoleucine, which is neutral and non-polar, at codon 2690 of the BRCA2 protein (p.Val2690Ile). This variant is present in population databases (no rsID available, gnomAD 0.003%). This variant has not been reported in the literature in individuals affected with BRCA2-related conditions. ClinVar contains an entry for this variant (Variation ID: 156175). Invitae Evidence Modeling of protein sequence and biophysical properties (such as structural, functional, and spatial information, amino acid conservation, physicochemical variation, residue mobility, and thermodynamic stability) indicates that this missense variant is not expected to disrupt BRCA2 protein function with a negative predictive value of 95%. In summary, the available evidence is currently insufficient to determine the role of this variant in disease. Therefore, it has been classified as a Variant of Uncertain Significance.

Ambry Genetics
Classification: Likely benign for Hereditary cancer-predisposing syndrome. Last evaluated: 2025-05-19. Review status: criteria provided, single submitter. Criteria: Ambry Variant Classification Scheme 2023. Collection method: clinical testing. Allele origin: germline.

Fulgent Genetics
Classification: Uncertain significance for Familial cancer of breast; Medulloblastoma; Familial prostate cancer; Wilms tumor 1; Fanconi anemia complementation group D1; Breast-ovarian cancer, familial, susceptibility to, 2; Glioma susceptibility 3; Pancreatic cancer, susceptibility to, 2. Last evaluated: 2024-05-31. Review status: criteria provided, single submitter. Criteria: ACMG Guidelines, 2015. Collection method: clinical testing. Allele origin: germline.

GeneDx
Classification: Uncertain significance. Last evaluated: 2017-12-14. Review status: criteria provided, single submitter. Criteria: GeneDx Variant Classification (06012015). Collection method: clinical testing. Allele origin: germline. Affected: yes.
Comment: This variant is denoted BRCA2 c.8068G>A at the cDNA level, p.Val2690Ile (V2690I) at the protein level, and results in the change of a Valine to an Isoleucine (GTT>ATT). Using alternate nomenclature, this variant would be defined as BRCA2 8296G>A. This variant has not, to our knowledge, been published in the literature as pathogenic or benign. BRCA2 Val2690Ile was not observed at a significant allele frequency in large population cohorts (Lek 2016). Since Valine and Isoleucine share similar properties, this is considered a conservative amino acid substitution. BRCA2 Val2690Ile is located within the DNA binding and the nuclear exporting signal (Yang 2002, Jeyasekharan 2013). In-silico analyses, including protein predictors and evolutionary conservation, support that this variant does not alter protein structure/function. Based on currently available evidence, it is unclear whether BRCA2 Val2690Ile is pathogenic or benign. We consider it to be a variant of uncertain significance.

Sharing Clinical Reports Project (SCRP)
Classification: Uncertain significance for Breast-ovarian cancer, familial 2. Last evaluated: 2009-08-06. Review status: no assertion criteria provided. Collection method: clinical testing. Allele origin: germline. Not counted in ClinVar's aggregate classification.

NM_000059.4(BRCA2):c.8068G>A (p.Val2690Ile)

Gene: BRCA2 (BRCA2 DNA repair associated; plus strand). Cytogenetic location: 13q13.1.
Variant type: single nucleotide variant.
Coding change: c.8068G>A on transcript NM_000059.4 (MANE Select); coding-DNA position 8068, G replaced by A.
Protein change: p.Val2690Ile; replaces valine 2690 with isoleucine.
Molecular consequence: missense variant.
Genome position (GRCh38, 1-based): chr13:32,363,270, G>A. VCF-style: chr13-32363270-G-A. GRCh37 (hg19) VCF-style: chr13-32937407-G-A.
Other names: 8296G>A; short protein forms V2690I.
Identifiers: ClinVar variation 156175 (VCV000156175.17), dbSNP rs587776471, ClinGen allele CA025437.